The following is an entry in ClinVar:

ClinVar aggregate classification (germline): Uncertain significance (1 of 4 stars; one submission).

Submission:

GeneDx
Classification: Uncertain significance. Last evaluated: 2025-07-17. Review status: criteria provided, single submitter. Criteria: GeneDx Variant Classification Process June 2021. Collection method: clinical testing. Allele origin: germline. Affected: yes.
Comment: Not observed at significant frequency in large population cohorts (gnomAD); In-frame deletion of 2 amino acid(s) in a non-repeat region; In silico analysis suggests that this variant does not alter protein structure/function; Has not been previously published as pathogenic or benign to our knowledge

NM_004595.5(SMS):c.399_404del (p.Glu133_Tyr134del)

Gene: SMS (spermine synthase; plus strand). Cytogenetic location: Xp22.11.
Variant type: Deletion.
Coding change: c.399_404del on transcript NM_004595.5 (MANE Select); coding-DNA positions 399 to 404, 6 bases deleted (ATATGA; older notation c.399_404delATATGA).
Protein change: p.Glu133_Tyr134del.
Molecular consequence: inframe deletion.
Genome position (GRCh38, 1-based): chrX:21,977,130-21,977,135, ATATGA deleted; deleting any 6 consecutive bases within chrX:21,977,127-21,977,135 gives the same sequence; the c. name uses the placement nearest the transcript's 3' end. VCF-style (leftmost placement, unchanged base first): chrX-21977126-TTGAATA-T. GRCh37 (hg19) VCF-style: chrX-21995244-TTGAATA-T.
Other names: c.240_245del, p.Glu80_Tyr81del (NM_001258423.2).
Identifiers: ClinVar variation 4686536 (VCV004686536.1).